The following is an entry in ClinVar:

ClinVar aggregate classification (germline): Uncertain significance. Review status: criteria provided, multiple submitters, no conflicts (2 of 4 stars). 3 submissions from 3 submitters: Uncertain significance (3). Last evaluated 2025-07-08.

Conditions:
Inborn genetic diseases. Identifiers: MedGen C0950123, MeSH D030342.

Allele frequency attached by ClinVar (database versions not stated): gnomAD 0.00002; gnomAD exomes 0.00002; TOPMed 0.00002; ExAC 0.00005.

Submissions (3):

GeneDx
Classification: Uncertain significance. Last evaluated: 2025-07-08. Review status: criteria provided, single submitter. Criteria: GeneDx Variant Classification Process June 2021. Collection method: clinical testing. Allele origin: germline. Affected: yes.
Comment: In silico analysis suggests that this missense variant does not alter protein structure/function; Has not been previously published as pathogenic or benign to our knowledge

Labcorp Genetics (formerly Invitae), Labcorp
Classification: Uncertain significance. Last evaluated: 2025-06-06. Review status: criteria provided, single submitter. Criteria: Invitae Variant Classification Sherloc (09022015). Collection method: clinical testing. Allele origin: germline.
Comment: This sequence change replaces threonine, which is neutral and polar, with isoleucine, which is neutral and non-polar, at codon 85 of the SAMD9 protein (p.Thr85Ile). This variant is present in population databases (rs183163060, gnomAD 0.01%). This variant has not been reported in the literature in individuals affected with SAMD9-related conditions. ClinVar contains an entry for this variant (Variation ID: 1312537). Invitae Evidence Modeling of protein sequence and biophysical properties (such as structural, functional, and spatial information, amino acid conservation, physicochemical variation, residue mobility, and thermodynamic stability) indicates that this missense variant is not expected to disrupt SAMD9 protein function with a negative predictive value of 95%. In summary, the available evidence is currently insufficient to determine the role of this variant in disease. Therefore, it has been classified as a Variant of Uncertain Significance.

Ambry Genetics
Classification: Uncertain significance for Inborn genetic diseases. Last evaluated: 2024-11-18. Review status: criteria provided, single submitter. Criteria: Ambry Variant Classification Scheme 2023. Collection method: clinical testing. Allele origin: germline.
Comment: The p.T85I variant (also known as c.254C>T), located in coding exon 1 of the SAMD9 gene, results from a C to T substitution at nucleotide position 254. The threonine at codon 85 is replaced by isoleucine, an amino acid with similar properties. This amino acid position is conserved. In addition, this alteration is predicted to be tolerated by in silico analysis. Based on the available evidence, the clinical significance of this variant remains unclear.

NM_017654.4(SAMD9):c.254C>T (p.Thr85Ile)

Gene: SAMD9 (sterile alpha motif domain containing 9; minus strand). Cytogenetic location: 7q21.2.
Variant type: single nucleotide variant.
Coding change: c.254C>T on transcript NM_017654.4 (MANE Select); coding-DNA position 254, C replaced by T.
Protein change: p.Thr85Ile; replaces threonine 85 with isoleucine.
Molecular consequence: missense variant.
Genome position (GRCh38, 1-based): chr7:93,105,844, G>A on the plus strand (C>T on the coding strand, the complement: SAMD9 is on the minus strand). VCF-style: chr7-93105844-G-A. GRCh37 (hg19) VCF-style: chr7-92735157-G-A.
Other names: c.254C>T, p.Thr85Ile (NM_001193307.2); short protein forms T85I.
Identifiers: ClinVar variation 1312537 (VCV001312537.8), dbSNP rs183163060, ClinGen allele CA4343180.